The following is an entry in ClinVar:

ClinVar aggregate classification (germline): Conflicting classifications of pathogenicity. Review status: criteria provided, conflicting classifications (1 of 4 stars). 3 submissions from 3 submitters: Uncertain significance (2); Likely benign (1). Last evaluated 2026-01-19.

Allele frequency attached by ClinVar (database versions not stated): gnomAD exomes below 0.00001 and 0.00001; gnomAD 0.00007 and 0.00008; TOPMed 0.00014.
gnomAD v4.1: 21 of 1,613,980 alleles (0.0013%); highest among the groups gnomAD compares: Admixed American, 0.022%; no homozygotes.

Submissions (3):

Labcorp Genetics (formerly Invitae), Labcorp
Classification: Uncertain significance. Last evaluated: 2026-01-19. Review status: criteria provided, single submitter. Criteria: Invitae Variant Classification Sherloc (09022015). Collection method: clinical testing. Allele origin: germline.
Comment: This sequence change falls in intron 11 of the CTNNB1 gene. It does not directly change the encoded amino acid sequence of the CTNNB1 protein. It affects a nucleotide within the consensus splice site. This variant is present in population databases (rs771700200, gnomAD 0.006%). This variant has not been reported in the literature in individuals affected with CTNNB1-related conditions. ClinVar contains an entry for this variant (Variation ID: 1472162). Variants that disrupt the consensus splice site are a relatively common cause of aberrant splicing (PMID: 17576681, 9536098). Algorithms developed to predict the effect of sequence changes on RNA splicing suggest that this variant is not likely to affect RNA splicing. In summary, the available evidence is currently insufficient to determine the role of this variant in disease. Therefore, it has been classified as a Variant of Uncertain Significance.

Women's Health and Genetics/Laboratory Corporation of America, LabCorp
Classification: Uncertain significance. Last evaluated: 2025-02-07. Review status: criteria provided, single submitter. Criteria: LabCorp Variant Classification Summary - May 2015. Collection method: clinical testing. Allele origin: germline.
Comment: Variant summary: CTNNB1 c.1803+3A>G alters a nucleotide located close to a canonical splice site and therefore could affect mRNA splicing, leading to a significantly altered protein sequence. Several computational tools predict a significant impact on normal splicing: Three predict the variant weakens a 5' donor site. However, these predictions have yet to be confirmed by functional studies. The variant allele was found at a frequency of 8e-06 in 251284 control chromosomes (gnomAD). The available data on variant occurrences in the general population are insufficient to allow any conclusion about variant significance. To our knowledge, no occurrence of c.1803+3A>G in individuals affected with Severe Intellectual Disability-Progressive Spastic Diplegia Syndrome and no experimental evidence demonstrating its impact on protein function have been reported. ClinVar contains an entry for this variant (Variation ID: 1472162). Based on the evidence outlined above, the variant was classified as uncertain significance.

Blueprint Genetics
Classification: Likely benign. Last evaluated: 2023-10-16. Review status: criteria provided, single submitter. Criteria: ACMG Guidelines, 2015. Collection method: clinical testing. Allele origin: germline.

Literature cited by the submitters: PubMed 17576681 (cited by Labcorp Genetics (formerly Invitae), Labcorp); PubMed 9536098 (cited by Labcorp Genetics (formerly Invitae), Labcorp).

NM_001904.4(CTNNB1):c.1803+3A>G

Gene: CTNNB1 (catenin beta 1; plus strand). Cytogenetic location: 3p22.1.
Variant type: single nucleotide variant.
Coding change: c.1803+3A>G on transcript NM_001904.4 (MANE Select); 3 bases into the intron after coding-DNA position 1803, A replaced by G.
Molecular consequence: intron variant.
Genome position (GRCh38, 1-based): chr3:41,235,846, A>G. VCF-style: chr3-41235846-A-G. GRCh37 (hg19) VCF-style: chr3-41277337-A-G.
Other names: c.1782+3A>G (NM_001330729.2); c.1803+3A>G (NM_001098209.2, NM_001098210.2).
Identifiers: ClinVar variation 1472162 (VCV001472162.9), dbSNP rs771700200, ClinGen allele CA74096185.
Genomic context (GRCh38, chr3:41,235,846, plus strand): 5'-GGATGTTCACAACCGAATTGTTATCAGAGGACTAAATACCATTCCATTGTTTGTGCAGGT[A>G]TGTTTTAAGTGAAGTGTTCTAGGTTTTATGTCCATAAAATTTCCAGATTGTAATGACTAA-3'